The following is an entry in ClinVar:

ClinVar aggregate classification (germline): Uncertain significance (1 of 4 stars; one submission).

Conditions:
Developmental and epileptic encephalopathy, 53. Also called: Epileptic encephalopathy, early infantile, 53. Identifiers: MedGen C4479313, MONDO:0033362, OMIM 617389.
Early-onset Parkinson disease 20. Also called: PARKINSON DISEASE 20, AUTOSOMAL RECESSIVE EARLY-ONSET. Identifiers: Orphanet 391411, MedGen C3809824, MONDO:0014233, OMIM 615530.

Allele frequency attached by ClinVar (database versions not stated): TOPMed 0.00003; gnomAD 0.00006; 1000 Genomes Project 30x 0.00016; 1000 Genomes Project 0.00020.
gnomAD v4.1: 45 of 1,609,780 alleles (0.0028%); highest among the groups gnomAD compares: Admixed American, 0.049%; no homozygotes.

Submission:

Labcorp Genetics (formerly Invitae), Labcorp
Classification: Uncertain significance for Developmental and epileptic encephalopathy, 53; Early-onset Parkinson disease 20. Last evaluated: 2022-08-09. Review status: criteria provided, single submitter. Criteria: Invitae Variant Classification Sherloc (09022015). Collection method: clinical testing. Allele origin: germline.
Comment: This sequence change replaces proline, which is neutral and non-polar, with leucine, which is neutral and non-polar, at codon 1235 of the SYNJ1 protein (p.Pro1235Leu). This variant is present in population databases (rs61752550, gnomAD 0.06%). This variant has not been reported in the literature in individuals affected with SYNJ1-related conditions. ClinVar contains an entry for this variant (Variation ID: 575346). Algorithms developed to predict the effect of missense changes on protein structure and function are either unavailable or do not agree on the potential impact of this missense change (SIFT: "Deleterious"; PolyPhen-2: "Possibly Damaging"; Align-GVGD: "Class C0"). In summary, the available evidence is currently insufficient to determine the role of this variant in disease. Therefore, it has been classified as a Variant of Uncertain Significance.

NM_203446.3(SYNJ1):c.3587C>T (p.Pro1196Leu)

Gene: SYNJ1 (synaptojanin 1; minus strand). Cytogenetic location: 21q22.11.
Variant type: single nucleotide variant.
Coding change: c.3587C>T on transcript NM_203446.3 (MANE Select); coding-DNA position 3587, C replaced by T.
Protein change: p.Pro1196Leu; replaces proline 1196 with leucine.
Molecular consequence: missense variant.
Genome position (GRCh38, 1-based): chr21:32,641,897, G>A on the plus strand (C>T on the coding strand, the complement: SYNJ1 is on the minus strand). VCF-style: chr21-32641897-G-A. GRCh37 (hg19) VCF-style: chr21-34014207-G-A.
Other names: c.3539C>T, p.Pro1180Leu (NM_001160302.2); c.3446C>T, p.Pro1149Leu (NM_001160306.2); c.3704C>T, p.Pro1235Leu (NM_003895.4); short protein forms P1235L, P1149L, P1180L, P1196L.
Identifiers: ClinVar variation 575346 (VCV000575346.5), dbSNP rs61752550, ClinGen allele CA10003337.